The following is an entry in ClinVar:

ClinVar aggregate classification (germline): Uncertain significance (1 of 4 stars; one submission).

Conditions:
Developmental and epileptic encephalopathy, 23 (DEE23). Also called: Epileptic encephalopathy, early infantile, 23. Identifiers: Orphanet 411986, MedGen C4014492, MONDO:0014371, OMIM 615859.

gnomAD v4.1: 1 of 1,613,166 alleles (0.000062%); highest among the groups gnomAD compares: Admixed American, 0.0017%; no homozygotes.

Submission:

Labcorp Genetics (formerly Invitae), Labcorp
Classification: Uncertain significance for Developmental and epileptic encephalopathy, 23. Last evaluated: 2017-11-15. Review status: criteria provided, single submitter. Criteria: Invitae Variant Classification Sherloc (09022015). Collection method: clinical testing. Allele origin: germline.
Comment: In summary, the available evidence is currently insufficient to determine the role of this variant in disease. Therefore, it has been classified as a Variant of Uncertain Significance. Algorithms developed to predict the effect of sequence changes on RNA splicing suggest that this variant may create or strengthen a splice site, but this prediction has not been confirmed by published transcriptional studies. Algorithms developed to predict the effect of missense changes on protein structure and function do not agree on the potential impact of this missense change (SIFT: "Deleterious"; PolyPhen-2: "Possibly Damaging"; Align-GVGD: "Class C0"). This variant has not been reported in the literature in individuals with DOCK7-related disease. This variant is not present in population databases (ExAC no frequency). This sequence change replaces isoleucine with valine at codon 583 of the DOCK7 protein (p.Ile583Val). The isoleucine residue is highly conserved and there is a small physicochemical difference between isoleucine and valine.

NM_001367561.1(DOCK7):c.1747A>G (p.Ile583Val)

Gene: DOCK7 (dedicator of cytokinesis 7; minus strand). Cytogenetic location: 1p31.3.
Variant type: single nucleotide variant.
Coding change: c.1747A>G on transcript NM_001367561.1 (MANE Select); coding-DNA position 1747, A replaced by G.
Protein change: p.Ile583Val; replaces isoleucine 583 with valine.
Molecular consequence: missense variant.
Genome position (GRCh38, 1-based): chr1:62,586,560, T>C on the plus strand (A>G on the coding strand, the complement: DOCK7 is on the minus strand). VCF-style: chr1-62586560-T-C. GRCh37 (hg19) VCF-style: chr1-63052231-T-C.
Other names: c.1747A>G, p.Ile583Val (NM_001271999.2, NM_001272000.2, NM_001272001.2 and 3 more transcripts); short protein forms I583V.
Identifiers: ClinVar variation 541910 (VCV000541910.9), dbSNP rs201871127, ClinGen allele CA340629964.